The following is an entry in ClinVar:

ClinVar aggregate classification (germline): Benign (1 of 4 stars; one submission).

Conditions:
Hereditary diffuse gastric adenocarcinoma (HDGC). Also called: DIFFUSE GASTRIC AND LOBULAR BREAST CANCER SYNDROME. Identifiers: Orphanet 26106, MedGen C1708349, MONDO:0007648, OMIM 137215.

Submission:

Myriad Genetics, Inc.
Classification: Benign for Hereditary diffuse gastric adenocarcinoma. Last evaluated: 2024-09-18. Review status: criteria provided, single submitter. Criteria: Myriad Autosomal Dominant, Autosomal Recessive and X-Linked Classification Criteria (2023). Collection method: clinical testing. Allele origin: unknown.
Comment: This variant is considered benign. This variant is a silent/synonymous amino acid change and it is not expected to impact splicing.

NM_004360.5(CDH1):c.1306T>C (p.Leu436=)

Gene: CDH1 (cadherin 1; plus strand). Cytogenetic location: 16q22.1.
Variant type: single nucleotide variant.
Coding change: c.1306T>C on transcript NM_004360.5 (MANE Select); coding-DNA position 1306, T replaced by C.
Protein change: p.Leu436=; no amino-acid change (leucine 436 retained).
Molecular consequence: synonymous variant. On other transcripts: 5 prime UTR variant (2), intron variant (1).
Genome position (GRCh38, 1-based): chr16:68,813,481, T>C. VCF-style: chr16-68813481-T-C. GRCh37 (hg19) VCF-style: chr16-68847384-T-C.
Other names: c.-310T>C (NM_001317185.2); c.-514T>C (NM_001317186.2); c.1137+1218T>C (NM_001317184.2).
Identifiers: ClinVar variation 3379363 (VCV003379363.1).